The following is an entry in ClinVar:

ClinVar aggregate classification (germline): Uncertain significance. Review status: criteria provided, multiple submitters, no conflicts (2 of 4 stars). 3 submissions from 3 submitters: Uncertain significance (3). Last evaluated 2025-05-26.

Conditions:
Hereditary cancer-predisposing syndrome. Also called: Hereditary neoplastic syndrome; Neoplastic Syndromes, Hereditary; Tumor predisposition; Hereditary Cancer Syndrome. Identifiers: Orphanet 140162, MedGen C0027672, MeSH D009386, MONDO:0015356.
Familial cancer of breast. Also called: Hereditary breast cancer; hereditary breast carcinoma; BREAST CANCER, FAMILIAL. Identifiers: Orphanet 227535, MedGen C0346153, MONDO:0016419, OMIM 114480. Disease mechanism: loss of function.
Fanconi anemia complementation group J. Also called: BRIP1-Related Fanconi Anemia. Identifiers: Orphanet 84, MedGen C1836860, MONDO:0012187, OMIM 609054.

Submissions (3):

Labcorp Genetics (formerly Invitae), Labcorp
Classification: Uncertain significance for Familial cancer of breast; Fanconi anemia complementation group J. Last evaluated: 2025-05-26. Review status: criteria provided, single submitter. Criteria: Invitae Variant Classification Sherloc (09022015). Collection method: clinical testing. Allele origin: germline.
Comment: This sequence change replaces glutamine, which is neutral and polar, with histidine, which is basic and polar, at codon 634 of the BRIP1 protein (p.Gln634His). This variant is not present in population databases (gnomAD no frequency). This variant has not been reported in the literature in individuals affected with BRIP1-related conditions. ClinVar contains an entry for this variant (Variation ID: 407822). Invitae Evidence Modeling of protein sequence and biophysical properties (such as structural, functional, and spatial information, amino acid conservation, physicochemical variation, residue mobility, and thermodynamic stability) has been performed for this missense variant. However, the output from this modeling did not meet the statistical confidence thresholds required to predict the impact of this variant on BRIP1 protein function. In summary, the available evidence is currently insufficient to determine the role of this variant in disease. Therefore, it has been classified as a Variant of Uncertain Significance.

Ambry Genetics
Classification: Uncertain significance for Hereditary cancer-predisposing syndrome. Last evaluated: 2023-08-16. Review status: criteria provided, single submitter. Criteria: Ambry Variant Classification Scheme 2023. Collection method: clinical testing. Allele origin: germline.
Comment: The p.Q634H variant (also known as c.1902G>C), located in coding exon 12 of the BRIP1 gene, results from a G to C substitution at nucleotide position 1902. The glutamine at codon 634 is replaced by histidine, an amino acid with highly similar properties. This amino acid position is highly conserved in available vertebrate species. In addition, this alteration is predicted to be tolerated by in silico analysis. Since supporting evidence is limited at this time, the clinical significance of this alteration remains unclear.

Color Diagnostics, LLC DBA Color Health
Classification: Uncertain significance for Hereditary cancer-predisposing syndrome. Last evaluated: 2022-06-06. Review status: criteria provided, single submitter. Criteria: ACMG Guidelines, 2015. Collection method: clinical testing. Allele origin: germline.
Comment: This missense variant replaces glutamine with histidine at codon 634 of the BRIP1 protein. Computational prediction suggests that this variant may not impact protein structure and function (internally defined REVEL score threshold <= 0.5, PMID: 27666373). To our knowledge, functional studies have not been reported for this variant. This variant has not been reported in individuals affected with hereditary cancer in the literature. This variant has not been identified in the general population by the Genome Aggregation Database (gnomAD). The available evidence is insufficient to determine the role of this variant in disease conclusively. Therefore, this variant is classified as a Variant of Uncertain Significance.

NM_032043.3(BRIP1):c.1902G>C (p.Gln634His)

Gene: BRIP1 (BRCA1 interacting DNA helicase 1; minus strand). Cytogenetic location: 17q23.2.
Variant type: single nucleotide variant.
Coding change: c.1902G>C on transcript NM_032043.3 (MANE Select); coding-DNA position 1902, G replaced by C.
Protein change: p.Gln634His; replaces glutamine 634 with histidine.
Molecular consequence: missense variant.
Genome position (GRCh38, 1-based): chr17:61,780,294, C>G on the plus strand (G>C on the coding strand, the complement: BRIP1 is on the minus strand). VCF-style: chr17-61780294-C-G. GRCh37 (hg19) VCF-style: chr17-59857655-C-G.
Other names: short protein forms Q634H.
Identifiers: ClinVar variation 407822 (VCV000407822.11), dbSNP rs1060501748, ClinGen allele CA16615840.